The following is an entry in ClinVar:

ClinVar aggregate classification (germline): Uncertain significance (1 of 4 stars; one submission).

Conditions:
Peutz-Jeghers syndrome (PJS). Also called: POLYPOSIS, HAMARTOMATOUS INTESTINAL; POLYPS-AND-SPOTS SYNDROME; Peutz-Jeghers polyposis; Periorificial lentiginosis syndrome. Identifiers: Orphanet 2869, MedGen C0031269, MeSH D010580, MONDO:0008280, OMIM 175200.

Submission:

Labcorp Genetics (formerly Invitae), Labcorp
Classification: Uncertain significance for Peutz-Jeghers syndrome. Last evaluated: 2020-08-19. Review status: criteria provided, single submitter. Criteria: Invitae Variant Classification Sherloc (09022015). Collection method: clinical testing. Allele origin: germline.
Comment: This sequence change replaces serine with proline at codon 69 of the STK11 protein (p.Ser69Pro). The serine residue is highly conserved and there is a moderate physicochemical difference between serine and proline. This variant is not present in population databases (ExAC no frequency). This variant has not been reported in the literature in individuals with STK11-related conditions. Advanced modeling of protein sequence and biophysical properties (such as structural, functional, and spatial information, amino acid conservation, physicochemical variation, residue mobility, and thermodynamic stability) performed at Invitae indicates that this missense variant is not expected to disrupt STK11 protein function. In summary, the available evidence is currently insufficient to determine the role of this variant in disease. Therefore, it has been classified as a Variant of Uncertain Significance.

NM_000455.5(STK11):c.205T>C (p.Ser69Pro)

Gene: STK11 (serine/threonine kinase 11; plus strand). Cytogenetic location: 19p13.3.
Variant type: single nucleotide variant.
Coding change: c.205T>C on transcript NM_000455.5 (MANE Select); coding-DNA position 205, T replaced by C.
Protein change: p.Ser69Pro; replaces serine 69 with proline.
Molecular consequence: missense variant.
Genome position (GRCh38, 1-based): chr19:1,207,118, T>C. VCF-style: chr19-1207118-T-C. GRCh37 (hg19) VCF-style: chr19-1207117-T-C.
Other names: short protein forms S69P.
Identifiers: ClinVar variation 1041394 (VCV001041394.8), dbSNP rs2080672529, ClinGen allele CA402944315.